The following is an entry in ClinVar:

NM_000089.4(COL1A2):c.3144T>C (p.Gly1048=)

Gene: COL1A2 (collagen type I alpha 2 chain; plus strand). Cytogenetic location: 7q21.3.
Variant type: single nucleotide variant.
Coding change: c.3144T>C on transcript NM_000089.4 (MANE Select); coding-DNA position 3144, T replaced by C.
Protein change: p.Gly1048=; no amino-acid change (glycine 1048 retained).
Molecular consequence: synonymous variant.
Genome position (GRCh38, 1-based): chr7:94,427,046, T>C. VCF-style: chr7-94427046-T-C. GRCh37 (hg19) VCF-style: chr7-94056358-T-C.
Other names: p.Gly1048=.
Identifiers: ClinVar variation 911980 (VCV000911980.21), dbSNP rs369434464, ClinGen allele CA4347684.

ClinVar aggregate classification (germline): Benign/Likely benign. Review status: criteria provided, multiple submitters, no conflicts (2 of 4 stars). 8 submissions from 7 submitters: Benign (1); Likely benign (6). 1 of the submissions does not count toward it. Last evaluated 2026-05-26.

Conditions:
COL1A2-related disorder. Also called: COL1A2-Related Disorders; COL1A2-related condition.
Osteogenesis imperfecta (OI). Identifiers: Orphanet 666, MedGen C0029434, MeSH D010013, MONDO:0019019.
Osteogenesis imperfecta type I (OI1). Also called: Lobstein's Disease; Osteogenesis imperfecta type 1; OSTEOGENESIS IMPERFECTA WITH BLUE SCLERAE; OI, TYPE I; OSTEOGENESIS IMPERFECTA TARDA; Classic Non-deforming Osteogenesis Imperfecta with Blue Sclerae. Identifiers: Orphanet 216796, Orphanet 666, MedGen C0023931, MONDO:0008146, OMIM 166200. Disease mechanism: loss of function.
Ehlers-Danlos syndrome, classic type, 1 (EDSCL1). Also called: Ehlers-Danlos syndrome, type 1; EHLERS-DANLOS SYNDROME, GRAVIS TYPE; EHLERS-DANLOS SYNDROME, SEVERE CLASSIC TYPE; Ehlers-Danlos Syndrome, Classic Type, COL5A1-Related; EDS I. Identifiers: MedGen C0268335, MONDO:0019567, OMIM 130000.
Ehlers-Danlos syndrome, arthrochalasia type, 2. Also called: EHLERS-DANLOS SYNDROME, TYPE VIIB, AUTOSOMAL DOMINANT. Identifiers: MedGen CN293783, MONDO:0040501, OMIM 617821.
Cardiovascular phenotype. Identifiers: MedGen CN230736.

Allele frequency attached by ClinVar (database versions not stated): TOPMed 0.00006; gnomAD 0.00014; ESP Exome Variant Server 0.00015.
gnomAD v4.1: 240 of 1,613,914 alleles (0.015%); highest among the groups gnomAD compares: East Asian, 0.06%; no homozygotes.

Submissions (8):

Women's Health and Genetics/Laboratory Corporation of America, LabCorp
Classification: Likely benign. Last evaluated: 2026-05-26. Review status: criteria provided, single submitter. Criteria: LabCorp Variant Classification Summary - May 2015. Collection method: clinical testing. Allele origin: germline.

Labcorp Genetics (formerly Invitae), Labcorp
Classification: Likely benign for Osteogenesis imperfecta type I; Ehlers-Danlos syndrome, classic type, 1. Last evaluated: 2026-01-18. Review status: criteria provided, single submitter. Criteria: Invitae Variant Classification Sherloc (09022015). Collection method: clinical testing. Allele origin: germline.

Mayo Clinic Laboratories, Mayo Clinic
Classification: Likely benign. Last evaluated: 2025-09-05. Review status: criteria provided, single submitter. Criteria: ACMG Guidelines, 2015. Collection method: clinical testing. Allele origin: germline. Observed: 4 variant alleles.
Comment: BS1, BP4, BP7

Blueprint Genetics
Classification: Likely benign. Last evaluated: 2024-08-05. Review status: criteria provided, single submitter. Criteria: ACMG Guidelines, 2015. Collection method: clinical testing. Allele origin: germline.

Ambry Genetics
Classification: Likely benign for Cardiovascular phenotype. Last evaluated: 2019-02-16. Review status: criteria provided, single submitter. Criteria: Ambry Variant Classification Scheme 2023. Collection method: clinical testing. Allele origin: germline.

Illumina Laboratory Services, Illumina
Classification: Benign for Ehlers-Danlos syndrome, arthrochalasia type, 2. Last evaluated: 2018-01-12. Review status: criteria provided, single submitter. Criteria: ICSL Variant Classification Criteria 13 December 2019. Collection method: clinical testing. Allele origin: germline.
Comment: This variant was observed in the ICSL laboratory as part of a predisposition screen in an ostensibly healthy population. It had not been previously curated by ICSL or reported in the Human Gene Mutation Database (HGMD: prior to June 1st, 2018), and was therefore a candidate for classification through an automated scoring system. Utilizing variant allele frequency, disease prevalence and penetrance estimates, and inheritance mode, an automated score was calculated to assess if this variant is too frequent to cause the disease. Based on the score and internal cut-off values, a variant classified as benign is not then subjected to further curation. The score for this variant resulted in a classification of benign for this disease.

Illumina Laboratory Services, Illumina
Classification: Likely benign for Osteogenesis imperfecta. Last evaluated: 2018-01-12. Review status: criteria provided, single submitter. Criteria: ICSL Variant Classification Criteria 13 December 2019. Collection method: clinical testing. Allele origin: germline.
Comment: This variant was observed in the ICSL laboratory as part of a predisposition screen in an ostensibly healthy population. It had not been previously curated by ICSL or reported in the Human Gene Mutation Database (HGMD: prior to June 1st, 2018), and was therefore a candidate for classification through an automated scoring system. Utilizing variant allele frequency, disease prevalence and penetrance estimates, and inheritance mode, an automated score was calculated to assess if this variant is too frequent to cause the disease. Based on the score and internal cut-off values, a variant classified as likely benign is not then subjected to further curation. The score for this variant resulted in a classification of likely benign for this disease.

PreventionGenetics, part of Exact Sciences
Classification: Likely benign for COL1A2-related condition. Last evaluated: 2020-08-03. Review status: no assertion criteria provided. Collection method: clinical testing. Allele origin: germline. Not counted in ClinVar's aggregate classification.
Comment: This variant is classified as likely benign based on ACMG/AMP sequence variant interpretation guidelines (Richards et al. 2015 PMID: 25741868, with internal and published modifications).